The following is an entry in ClinVar:

NM_001199397.3(NEK1):c.3374+10A>T

Gene: NEK1 (NIMA related kinase 1; minus strand). Cytogenetic location: 4q33.
Variant type: single nucleotide variant.
Coding change: c.3374+10A>T on transcript NM_001199397.3 (MANE Select); 10 bases into the intron after coding-DNA position 3374, A replaced by T.
Molecular consequence: intron variant.
Genome position (GRCh38, 1-based): chr4:169,406,586, T>A on the plus strand (A>T on the coding strand, the complement: NEK1 is on the minus strand). VCF-style: chr4-169406586-T-A. GRCh37 (hg19) VCF-style: chr4-170327737-T-A.
Other names: c.2891+10A>T (NM_001374421.1); c.3239+10A>T (NM_001374420.1); c.3083+10A>T (NM_001199399.3); c.3242+10A>T (NM_001199398.3); c.3290+10A>T (NM_001374419.1, NM_012224.4, NM_012224.2); c.3158+10A>T (NM_001199400.3); c.3374+10A>T (NM_001374418.1).
Identifiers: ClinVar variation 2066485 (VCV002066485.6), dbSNP rs765454919, ClinGen allele CA3137170.

ClinVar aggregate classification (germline): Benign. Review status: criteria provided, single submitter (1 of 4 stars). 2 submissions from 2 submitters: Benign (1). 1 of the submissions does not count toward it. Last evaluated 2025-12-06.

Conditions:
Short-rib thoracic dysplasia 6 with or without polydactyly (SRTD6). Also called: POLYDACTYLY WITH NEONATAL CHONDRODYSTROPHY, TYPE II; Majewski Syndrome; SHORT RIB-POLYDACTYLY SYNDROME, TYPE IIA; SHORT-RIB THORACIC DYSPLASIA 6 WITH POLYDACTYLY; SHORT-RIB THORACIC DYSPLASIA 6 WITHOUT POLYDACTYLY. Identifiers: MedGen C0024507, MONDO:0009894, OMIM 263520.
NEK1-related disorder. Also called: NEK1-related condition.

Allele frequency attached by ClinVar (database versions not stated): gnomAD exomes 0.00005; TOPMed 0.00009; ExAC 0.00012.
gnomAD v4.1: 101 of 1,574,164 alleles (0.0064%); highest among the groups gnomAD compares: Admixed American, 0.0056%; 1 homozygote.

Submissions (2):

Labcorp Genetics (formerly Invitae), Labcorp
Classification: Benign for Short-rib thoracic dysplasia 6 with or without polydactyly. Last evaluated: 2025-12-06. Review status: criteria provided, single submitter. Criteria: Invitae Variant Classification Sherloc (09022015). Collection method: clinical testing. Allele origin: germline.

PreventionGenetics, part of Exact Sciences
Classification: Likely benign for NEK1-related condition. Last evaluated: 2023-01-30. Review status: no assertion criteria provided. Collection method: clinical testing. Allele origin: germline. Not counted in ClinVar's aggregate classification.
Comment: This variant is classified as likely benign based on ACMG/AMP sequence variant interpretation guidelines (Richards et al. 2015 PMID: 25741868, with internal and published modifications).